The following is an entry in ClinVar:

NM_001166108.2(PALLD):c.1965-12938C>A

Gene: PALLD (palladin, cytoskeletal associated protein; plus strand). Cytogenetic location: 4q32.3.
Variant type: single nucleotide variant.
Coding change: c.1965-12938C>A on transcript NM_001166108.2 (MANE Select); 12938 bases into the intron before coding-DNA position 1965, C replaced by A.
Molecular consequence: intron variant. On other transcripts: missense variant (1).
Genome position (GRCh38, 1-based): chr4:168,877,984, C>A. VCF-style: chr4-168877984-C-A. GRCh37 (hg19) VCF-style: chr4-169799135-C-A.
Other names: c.93C>A, p.Asn31Lys (NM_001166110.2); c.1965-12938C>A (NM_016081.4); c.819-12938C>A (NM_001166109.2); c.-157-12938C>A (NM_001367570.1, NM_001367568.1, NM_001367567.1 and 1 more transcripts); short protein forms N31K.
Identifiers: ClinVar variation 2428162 (VCV002428162.6), dbSNP rs2533433926, ClinGen allele CA358794990.

ClinVar aggregate classification (germline): Uncertain significance (1 of 4 stars; one submission).

Conditions:
Pancreatic adenocarcinoma. Identifiers: MedGen C0281361, MONDO:0006047, HP:0006725.

Allele frequency attached by ClinVar (database versions not stated): gnomAD exomes below 0.00001.
gnomAD v4.1: 1 of 1,500,864 alleles (0.000067%); highest among the groups gnomAD compares: Non-Finnish European, 0.000088%; no homozygotes.

Submission:

Labcorp Genetics (formerly Invitae), Labcorp
Classification: Uncertain significance for Pancreatic adenocarcinoma. Last evaluated: 2024-04-22. Review status: criteria provided, single submitter. Criteria: Invitae Variant Classification Sherloc (09022015). Collection method: clinical testing. Allele origin: germline.
Comment: This sequence change replaces asparagine, which is neutral and polar, with lysine, which is basic and polar, at codon 31 of the PALLD protein (p.Asn31Lys). This variant is not present in population databases (gnomAD no frequency). This variant has not been reported in the literature in individuals affected with PALLD-related conditions. ClinVar contains an entry for this variant (Variation ID: 2428162). An algorithm developed to predict the effect of missense changes on protein structure and function (PolyPhen-2) suggests that this variant is likely to be tolerated. In summary, the available evidence is currently insufficient to determine the role of this variant in disease. Therefore, it has been classified as a Variant of Uncertain Significance.